The following is an entry in ClinVar:

ClinVar aggregate classification (germline): Uncertain significance. Review status: criteria provided, multiple submitters, no conflicts (2 of 4 stars). 2 submissions from 2 submitters: Uncertain significance (2). Last evaluated 2025-02-20.

Conditions:
Cardiovascular phenotype. Identifiers: MedGen CN230736.
Brugada syndrome. Also called: Sudden unexpected nocturnal death syndrome; Sudden unexplained nocturnal death syndrome; Sudden Unexplained Death Syndrome; Sudden Unexplained Nocturnal Death Syndrome (SUNDS). Identifiers: Orphanet 130, MedGen C1142166, MONDO:0015263.

Submissions (2):

Ambry Genetics
Classification: Uncertain significance for Cardiovascular phenotype. Last evaluated: 2025-02-20. Review status: criteria provided, single submitter. Criteria: Ambry Variant Classification Scheme 2023. Collection method: clinical testing. Allele origin: germline.
Comment: The p.T1492S variant (also known as c.4475C>G), located in coding exon 26 of the SCN10A gene, results from a C to G substitution at nucleotide position 4475. The threonine at codon 1492 is replaced by serine, an amino acid with similar properties. This amino acid position is conserved. In addition, the in silico prediction for this alteration is inconclusive. Based on the available evidence, the clinical significance of this variant remains unclear.

Labcorp Genetics (formerly Invitae), Labcorp
Classification: Uncertain significance for Brugada syndrome. Last evaluated: 2021-08-31. Review status: criteria provided, single submitter. Criteria: Invitae Variant Classification Sherloc (09022015). Collection method: clinical testing. Allele origin: germline.
Comment: This sequence change replaces threonine with serine at codon 1492 of the SCN10A protein (p.Thr1492Ser). The threonine residue is highly conserved and there is a small physicochemical difference between threonine and serine. This variant is not present in population databases (ExAC no frequency). This variant has not been reported in the literature in individuals affected with SCN10A-related conditions. Advanced modeling of protein sequence and biophysical properties (such as structural, functional, and spatial information, amino acid conservation, physicochemical variation, residue mobility, and thermodynamic stability) performed at Invitae indicates that this missense variant is expected to disrupt SCN10A protein function. Algorithms developed to predict the effect of sequence changes on RNA splicing suggest that this variant may create or strengthen a splice site. In summary, the available evidence is currently insufficient to determine the role of this variant in disease. Therefore, it has been classified as a Variant of Uncertain Significance.

NM_006514.4(SCN10A):c.4475C>G (p.Thr1492Ser)

Gene: SCN10A (sodium voltage-gated channel alpha subunit 10; minus strand). Cytogenetic location: 3p22.2.
Variant type: single nucleotide variant.
Coding change: c.4475C>G on transcript NM_006514.4 (MANE Select); coding-DNA position 4475, C replaced by G.
Protein change: p.Thr1492Ser; replaces threonine 1492 with serine.
Molecular consequence: missense variant.
Genome position (GRCh38, 1-based): chr3:38,702,021, G>C on the plus strand (C>G on the coding strand, the complement: SCN10A is on the minus strand). VCF-style: chr3-38702021-G-C. GRCh37 (hg19) VCF-style: chr3-38743512-G-C.
Other names: c.4472C>G, p.Thr1491Ser (NM_001293306.2); c.4181C>G, p.Thr1394Ser (NM_001293307.2); c.4475C>G (NM_006514.2); short protein forms T1394S, T1491S, T1492S.
Identifiers: ClinVar variation 1428116 (VCV001428116.6), dbSNP rs2125982925, ClinGen allele CA352146697.